The following is an entry in ClinVar:

NM_005570.4(LMAN1):c.*2184A>G

Gene: LMAN1 (lectin, mannose binding 1; minus strand). Cytogenetic location: 18q21.32.
Variant type: single nucleotide variant.
Coding change: c.*2184A>G on transcript NM_005570.4 (MANE Select); 2184 bases downstream of the stop codon, A replaced by G.
Molecular consequence: 3 prime UTR variant.
Genome position (GRCh38, 1-based): chr18:59,328,909, T>C on the plus strand (A>G on the coding strand, the complement: LMAN1 is on the minus strand). VCF-style: chr18-59328909-T-C. GRCh37 (hg19) VCF-style: chr18-56996141-T-C.
Identifiers: ClinVar variation 891656 (VCV000891656.4), dbSNP rs41370447, ClinGen allele CA300972991.
Genomic context (GRCh38, chr18:59,328,909, plus strand): 5'-TACATTAAATAAGGATATAAGCCATTACGCAATTGCATTTTCCTTTTAAAAGTGGCATCA[T>C]AGACACAATGACTTACATAAAAATTTTAAAATCAATTTTGTTTTAATCCAAGGCACCTGT-3'

ClinVar aggregate classification (germline): Benign (1 of 4 stars; one submission).

Conditions:
Factor V and factor VIII, combined deficiency of, type 1. Also called: FAMILIAL MULTIPLE COAGULATION FACTOR DEFICIENCY I; MULTIPLE COAGULATION FACTOR DEFICIENCY I; FMFD I; Combined factor V and VIII deficiency. Identifiers: Orphanet 35909, MedGen C4551981, MONDO:0009206, OMIM 227300.

Allele frequency attached by ClinVar (database versions not stated): 1000 Genomes Project 0.00799; 1000 Genomes Project 30x 0.00874; gnomAD 0.00982 and 0.01057; TOPMed 0.01113.

Submission:

Illumina Laboratory Services, Illumina
Classification: Benign for Factor V and factor VIII, combined deficiency of, type 1. Last evaluated: 2018-01-13. Review status: criteria provided, single submitter. Criteria: ICSL Variant Classification Criteria 13 December 2019. Collection method: clinical testing. Allele origin: germline.
Comment: This variant was observed in the ICSL laboratory as part of a predisposition screen in an ostensibly healthy population. It had not been previously curated by ICSL or reported in the Human Gene Mutation Database (HGMD: prior to June 1st, 2018), and was therefore a candidate for classification through an automated scoring system. Utilizing variant allele frequency, disease prevalence and penetrance estimates, and inheritance mode, an automated score was calculated to assess if this variant is too frequent to cause the disease. Based on the score and internal cut-off values, a variant classified as benign is not then subjected to further curation. The score for this variant resulted in a classification of benign for this disease.